The following is an entry in ClinVar:

NM_017807.4(OSGEP):c.212T>C (p.Ile71Thr)

Genes: OSGEP (O-sialoglycoprotein endopeptidase; minus strand), LOC107372315 (OSGEP/APEX1 bi-directional promoter region; plus strand). Cytogenetic location: 14q11.2.
Variant type: single nucleotide variant.
Coding change: c.212T>C on transcript NM_017807.4 (MANE Select); coding-DNA position 212, T replaced by C.
Protein change: p.Ile71Thr; replaces isoleucine 71 with threonine.
Molecular consequence: missense variant.
Genome position (GRCh38, 1-based): chr14:20,452,352, A>G on the plus strand (T>C on the coding strand, the complement: OSGEP is on the minus strand). VCF-style: chr14-20452352-A-G. GRCh37 (hg19) VCF-style: chr14-20920511-A-G.
Other names: c.212T>C (NM_017807.3); short protein forms I71T.
Identifiers: ClinVar variation 1511785 (VCV001511785.6), dbSNP rs144484325, ClinGen allele CA7081315.
Genomic context (GRCh38, chr14:20,452,352, plus strand): 5'-TATATTCCTCCATCGTTGACCACTCTCCCAGCCATACCCTTGGTGTATGCAATGCAGTCG[A>G]TATCCTGGGAGGTTAATCCAGACTCTGTTAGTGCCTCCTGCAGCAGGTCTAGGATAACAG-3'
Protein context (NP_060277.1, residues 61-81): LTESGLTSQD[Ile71Thr]DCIAYTKGPG

ClinVar aggregate classification (germline): Uncertain significance. Review status: criteria provided, multiple submitters, no conflicts (2 of 4 stars). 3 submissions from 3 submitters: Uncertain significance (2). 1 of the submissions does not count toward it. Last evaluated 2025-01-18.

Conditions:
OSGEP-related disorder. Also called: OSGEP-related condition.
Inborn genetic diseases. Identifiers: MedGen C0950123, MeSH D030342.

Allele frequency attached by ClinVar (database versions not stated): gnomAD exomes 0.00002 and 0.00010; ExAC 0.00009; ESP Exome Variant Server 0.00015; gnomAD 0.00024 and 0.00027; 1000 Genomes Project 30x 0.00031; TOPMed 0.00034; 1000 Genomes Project 0.00040.

Submissions (3):

Ambry Genetics
Classification: Uncertain significance for Inborn genetic diseases. Last evaluated: 2025-01-18. Review status: criteria provided, single submitter. Criteria: Ambry Variant Classification Scheme 2023. Collection method: clinical testing. Allele origin: germline.

Labcorp Genetics (formerly Invitae), Labcorp
Classification: Uncertain significance. Last evaluated: 2024-07-11. Review status: criteria provided, single submitter. Criteria: Invitae Variant Classification Sherloc (09022015). Collection method: clinical testing. Allele origin: germline.
Comment: This sequence change replaces isoleucine, which is neutral and non-polar, with threonine, which is neutral and polar, at codon 71 of the OSGEP protein (p.Ile71Thr). This variant is present in population databases (rs144484325, gnomAD 0.08%). This variant has not been reported in the literature in individuals affected with OSGEP-related conditions. ClinVar contains an entry for this variant (Variation ID: 1511785). Advanced modeling of protein sequence and biophysical properties (such as structural, functional, and spatial information, amino acid conservation, physicochemical variation, residue mobility, and thermodynamic stability) performed at Invitae indicates that this missense variant is expected to disrupt OSGEP protein function with a positive predictive value of 80%. In summary, the available evidence is currently insufficient to determine the role of this variant in disease. Therefore, it has been classified as a Variant of Uncertain Significance.

PreventionGenetics, part of Exact Sciences
Classification: Uncertain significance for OSGEP-related condition. Last evaluated: 2024-05-08. Review status: no assertion criteria provided. Collection method: clinical testing. Allele origin: germline. Not counted in ClinVar's aggregate classification.
Comment: The OSGEP c.212T>C variant is predicted to result in the amino acid substitution p.Ile71Thr. To our knowledge, this variant has not been reported in the literature. This variant is reported in 0.084% of alleles in individuals of African descent in gnomAD. Although we suspect that this variant may be benign, at this time, the clinical significance of this variant is uncertain due to the absence of conclusive functional and genetic evidence.